The following is an entry in ClinVar:

ClinVar aggregate classification (germline): Uncertain significance (1 of 4 stars; one submission).

Submission:

Labcorp Genetics (formerly Invitae), Labcorp
Classification: Uncertain significance. Last evaluated: 2024-07-22. Review status: criteria provided, single submitter. Criteria: Invitae Variant Classification Sherloc (09022015). Collection method: clinical testing. Allele origin: germline.
Comment: This variant, c.1041_1043dup, results in the insertion of 1 amino acid(s) of the ARID1A protein (p.Ala349dup), but otherwise preserves the integrity of the reading frame. This variant is not present in population databases (gnomAD no frequency). This variant has not been reported in the literature in individuals affected with ARID1A-related conditions. In summary, the available evidence is currently insufficient to determine the role of this variant in disease. Therefore, it has been classified as a Variant of Uncertain Significance.

NM_006015.6(ARID1A):c.1035GGC[4] (p.Ala349_Ser350insAla)

Genes: ARID1A (AT-rich interaction domain 1A; plus strand), LOC129929837 (ATAC-STARR-seq lymphoblastoid silent region 489; plus strand). Cytogenetic location: 1p36.11.
Variant type: Microsatellite.
Coding change: c.1035GGC[4] on transcript NM_006015.6 (MANE Select); four copies in a row of the 3-base unit GGC starting at c.1035; the reference has three copies in a row; one copy, 3 bases duplicated.
Protein change: p.Ala349_Ser350insAla.
Molecular consequence: inframe insertion.
Genome position (GRCh38, 1-based): chr1:26,697,444-26,697,446, GGC duplicated; duplicating any 3 consecutive bases within chr1:26,697,436-26,697,446 gives the same sequence; the position shown is the placement nearest the transcript's 3' end. VCF-style (leftmost placement, unchanged base first): chr1-26697435-T-TGCG. GRCh37 (hg19) VCF-style: chr1-27023926-T-TGCG.
Other names: c.1035GGC[4], p.Ala349_Ser350insAla (NM_139135.4).
Identifiers: ClinVar variation 2885198 (VCV002885198.3), dbSNP rs1474581007, ClinGen allele CA1160181201.
Genomic context (GRCh38, chr1:26,697,435, plus strand): 5'-CGCCGGCAAGGGCCCGGCGGACATGGCCTCGCAGTGTTGGGGGGCTGCGGCGGCGGCAGC[T>TGCG]GCGGCGGCGGCCGCCTCGGGAGGGGCCCAACAAAGGAGCCACCACGCGCCCATGAGCCCC-3'